The following is an entry in ClinVar:

ClinVar aggregate classification (germline): Uncertain significance. Review status: criteria provided, multiple submitters, no conflicts (2 of 4 stars). 3 submissions from 3 submitters: Uncertain significance (3). Last evaluated 2025-08-12.

Allele frequency attached by ClinVar (database versions not stated): ESP Exome Variant Server 0.00008; gnomAD 0.00009 and 0.00010; TOPMed 0.00009; gnomAD exomes 0.00014 and 0.00020; ExAC 0.00023.
gnomAD v4.1: 227 of 1,613,186 alleles (0.014%); highest among the groups gnomAD compares: Middle Eastern, 0.3%; 1 homozygote.

Submissions (3):

Ambry Genetics
Classification: Uncertain significance. Last evaluated: 2025-08-12. Review status: criteria provided, single submitter. Criteria: Ambry Variant Classification Scheme 2023. Collection method: clinical testing. Allele origin: germline.

Genetic Services Laboratory, University of Chicago
Classification: Uncertain significance. Last evaluated: 2021-09-30. Review status: criteria provided, single submitter. Criteria: ACMG Guidelines, 2015. Collection method: clinical testing. Allele origin: germline. Affected: no.
Comment: DNA sequence analysis of the RBBP6 gene demonstrated a sequence change, c.3101T>C, in exon 17 that results in an amino acid change, p.Ile1034Thr. This sequence change does not appear to have been previously described in individuals with RBBP6-related disorders. This sequence change has been described in the gnomAD database with a frequency of 0.066% in the South Asian subpopulation (dbSNP rs199891868). The p.Ile1034Thr change affects a poorly conserved amino acid residue located in a domain of the RBBP6 protein that is not known to be functional. The p.Ile1034Thr substitution appears to be benign using several in-silico pathogenicity prediction tools (SIFT, PolyPhen2, Align GVGD, REVEL). Due to insufficient evidence and the lack of functional studies, the clinical significance of the p.Ile1034Thr change remains unknown at this time.

Breakthrough Genomics
Classification: Uncertain significance. Review status: criteria provided, single submitter. Criteria: ACMG Guidelines, 2015. Collection method: not provided. Allele origin: germline. Inheritance: Unknown mechanism. Affected: yes.

NM_006910.5(RBBP6):c.3101T>C (p.Ile1034Thr)

Gene: RBBP6 (RB binding protein 6, ubiquitin ligase; plus strand). Cytogenetic location: 16p12.1.
Variant type: single nucleotide variant.
Coding change: c.3101T>C on transcript NM_006910.5 (MANE Select); coding-DNA position 3101, T replaced by C.
Protein change: p.Ile1034Thr; replaces isoleucine 1034 with threonine.
Molecular consequence: missense variant.
Genome position (GRCh38, 1-based): chr16:24,569,791, T>C. VCF-style: chr16-24569791-T-C. GRCh37 (hg19) VCF-style: chr16-24581112-T-C.
Other names: c.2999T>C, p.Ile1000Thr (NM_018703.4); short protein forms I1000T, I1034T.
Identifiers: ClinVar variation 1337524 (VCV001337524.8), dbSNP rs199891868, ClinGen allele CA7967701.